The following is an entry in ClinVar:

ClinVar aggregate classification (germline): Pathogenic. Review status: reviewed by expert panel (3 of 4 stars). 7 submissions from 7 submitters: Pathogenic (1). 6 of the submissions do not count toward it. Last evaluated 2016-09-08.

Conditions:
Hereditary cancer-predisposing syndrome. Also called: Neoplastic Syndromes, Hereditary; Tumor predisposition; Hereditary Cancer Syndrome; Hereditary neoplastic syndrome. Identifiers: Orphanet 140162, MedGen C0027672, MeSH D009386, MONDO:0015356.
Hereditary breast ovarian cancer syndrome. Also called: Hereditary breast and ovarian cancer syndrome; Hereditary breast and ovarian cancer; Hereditary breast and ovarian cancer syndrome (HBOC); Breast and ovarian cancer; Hereditary breast and/or ovarian cancer syndrome; BRCA1- and BRCA2-Associated Hereditary Breast and Ovarian Cancer. Identifiers: Orphanet 145, MedGen C0677776, MeSH D061325, MONDO:0003582. Disease mechanism: loss of function.
Breast-ovarian cancer, familial, susceptibility to, 2 (BROVCA2). Also called: BRCA2 Hereditary Breast and Ovarian Cancer. Identifiers: Orphanet 145, MedGen C2675520, MONDO:0012933, OMIM 612555. Disease mechanism: loss of function.

Submissions (7):

Evidence-based Network for the Interpretation of Germline Mutant Alleles (ENIGMA)
Classification: Pathogenic for Breast-ovarian cancer, familial, susceptibility to, 2. Last evaluated: 2016-09-08. Review status: reviewed by expert panel. Criteria: ENIGMA BRCA1/2 Classification Criteria (2015). Collection method: curation. Allele origin: germline.
Comment: Variant allele predicted to encode a truncated non-functional protein.

Molecular Pathology, Peter Maccallum Cancer Centre
Classification: Pathogenic for Breast-ovarian cancer, familial, susceptibility to, 2. Last evaluated: 2025-04-16. Review status: criteria provided, single submitter. Criteria: ACMG Guidelines, 2015. Collection method: clinical testing. Allele origin: germline. Inheritance: Autosomal dominant inheritance. Not counted in ClinVar's aggregate classification.

Ambry Genetics
Classification: Pathogenic for Hereditary cancer-predisposing syndrome. Last evaluated: 2023-02-02. Review status: criteria provided, single submitter. Criteria: Ambry Variant Classification Scheme 2023. Collection method: clinical testing. Allele origin: germline. Not counted in ClinVar's aggregate classification.
Comment: The p.E1320* pathogenic mutation (also known as c.3958G>T), located in coding exon 10 of the BRCA2 gene, results from a G to T substitution at nucleotide position 3958. This changes the amino acid from a glutamic acid to a stop codon within coding exon 10. Of note, this mutation is also referred to as G4186T in the literature. This variant is considered to be rare based on population cohorts in the Genome Aggregation Database (gnomAD). In addition to the clinical data presented in the literature, this alteration is expected to result in loss of function by premature protein truncation or nonsense-mediated mRNA decay. As such, this alteration is interpreted as a disease-causing mutation.

Color Diagnostics, LLC DBA Color Health
Classification: Pathogenic for Hereditary cancer-predisposing syndrome. Last evaluated: 2022-01-06. Review status: criteria provided, single submitter. Criteria: ACMG Guidelines, 2015. Collection method: clinical testing. Allele origin: germline. Not counted in ClinVar's aggregate classification.
Comment: This variant changes 1 nucleotide in exon 11 of the BRCA2 gene, creating a premature translation stop signal. This variant is expected to result in an absent or non-functional protein product. This variant has been reported in an individual affected with breast cancer (PMID: 9537231, 10615237). This variant has not been identified in the general population by the Genome Aggregation Database (gnomAD). Loss of BRCA2 function is a known mechanism of disease. Based on the available evidence, this variant is classified as Pathogenic.

Labcorp Genetics (formerly Invitae), Labcorp
Classification: Pathogenic for Hereditary breast ovarian cancer syndrome. Last evaluated: 2021-04-19. Review status: criteria provided, single submitter. Criteria: Invitae Variant Classification Sherloc (09022015). Collection method: clinical testing. Allele origin: germline. Not counted in ClinVar's aggregate classification.
Comment: For these reasons, this variant has been classified as Pathogenic. This variant has been observed in individual(s) with male breast cancer (PMID: 9537231). This variant is also known as c.4186G>T. ClinVar contains an entry for this variant (Variation ID: 51573). This variant is not present in population databases (ExAC no frequency). This sequence change creates a premature translational stop signal (p.Glu1320*) in the BRCA2 gene. It is expected to result in an absent or disrupted protein product. Loss-of-function variants in BRCA2 are known to be pathogenic (PMID: 20104584).

BRCAlab, Lund University
Classification: Pathogenic for Breast-ovarian cancer, familial, susceptibility to, 2. Last evaluated: 2020-03-02. Review status: no assertion criteria provided. Collection method: clinical testing. Allele origin: germline. Affected: yes. Not counted in ClinVar's aggregate classification.

Breast Cancer Information Core (BIC) (BRCA2)
Classification: Pathogenic for Breast-ovarian cancer, familial 2. Review status: no assertion criteria provided. Collection method: clinical testing. Allele origin: germline. Affected: yes. Observed: 1 variant allele. Not counted in ClinVar's aggregate classification.

Literature cited by the submitters: PubMed 15340362 (cited by Ambry Genetics); PubMed 9537231 (cited by 3 submitters); PubMed 10615237 (cited by Color Diagnostics, LLC DBA Color Health); PubMed 20104584 (cited by Labcorp Genetics (formerly Invitae), Labcorp).

NM_000059.4(BRCA2):c.3958G>T (p.Glu1320Ter)

Gene: BRCA2 (BRCA2 DNA repair associated; plus strand). Cytogenetic location: 13q13.1.
Variant type: single nucleotide variant.
Coding change: c.3958G>T on transcript NM_000059.4 (MANE Select); coding-DNA position 3958, G replaced by T.
Protein change: p.Glu1320Ter; replaces glutamic acid 1320 with a stop codon.
Molecular consequence: nonsense.
Genome position (GRCh38, 1-based): chr13:32,338,313, G>T. VCF-style: chr13-32338313-G-T. GRCh37 (hg19) VCF-style: chr13-32912450-G-T.
Other names: short protein forms E1320*.
Identifiers: ClinVar variation 51573 (VCV000051573.19), dbSNP rs80358644, ClinGen allele CA019267.